The following is an entry in ClinVar:

ClinVar aggregate classification (germline): Likely benign (0 of 4 stars; one submission).

Conditions:
PLXNB1-related disorder. Also called: PLXNB1-related condition.

Allele frequency attached by ClinVar (database versions not stated): 1000 Genomes Project 30x 0.00281; 1000 Genomes Project 0.00300.
gnomAD v4.1: 927 of 1,613,782 alleles (0.057%); highest among the groups gnomAD compares: East Asian, 2%; 12 homozygotes.

Submission:

PreventionGenetics, part of Exact Sciences
Classification: Likely benign for PLXNB1-related condition. Last evaluated: 2019-03-20. Review status: no assertion criteria provided. Collection method: clinical testing. Allele origin: germline.
Comment: This variant is classified as likely benign based on ACMG/AMP sequence variant interpretation guidelines (Richards et al. 2015 PMID: 25741868, with internal and published modifications).

NM_001130082.3(PLXNB1):c.908C>G (p.Pro303Arg)

Gene: PLXNB1 (plexin B1; minus strand). Cytogenetic location: 3p21.31.
Variant type: single nucleotide variant.
Coding change: c.908C>G on transcript NM_001130082.3 (MANE Select); coding-DNA position 908, C replaced by G.
Protein change: p.Pro303Arg; replaces proline 303 with arginine.
Molecular consequence: missense variant.
Genome position (GRCh38, 1-based): chr3:48,423,704, G>C on the plus strand (C>G on the coding strand, the complement: PLXNB1 is on the minus strand). VCF-style: chr3-48423704-G-C. GRCh37 (hg19) VCF-style: chr3-48465113-G-C.
Other names: c.908C>G, p.Pro303Arg (NM_002673.6); short protein forms P303R.
Identifiers: ClinVar variation 3050945 (VCV003050945.2), dbSNP rs188697214, ClinGen allele CA2375257.
Genomic context (GRCh38, chr3:48,423,704, plus strand): 5'-GCACAGAGGGCAGAGGCTCCAGATGCCCCAGCAGCCGCCGATGGGGGCCGGCCCACAGTG[G>C]GGGGTGCAGCCGAGGAGAAAGCTGCAAAGAGCACCTCCCCATGCGCCACCTCCCTGGACG-3'
Protein context (NP_001123554.1, residues 293-313): LFAAFSSAAP[Pro303Arg]TVGRPPSAAA